The following is an entry in ClinVar:

ClinVar aggregate classification (germline): Conflicting classifications of pathogenicity. Review status: criteria provided, conflicting classifications (1 of 4 stars). 7 submissions from 7 submitters: Uncertain significance (1); Benign (2); Likely benign (1). 3 of the submissions do not count toward it. Last evaluated 2026-02-04.

Conditions:
Aspartylglucosaminuria (AGU). Also called: AGA DEFICIENCY; GLYCOASPARAGINASE; GLYCOSYLASPARAGINASE DEFICIENCY; Aspartylglucos-aminuria; Aspartylglucos-amidase (AGA) deficiency. Identifiers: Orphanet 93, MedGen C0268225, MONDO:0008830, OMIM 208400, HP:0012068.

Allele frequency attached by ClinVar (database versions not stated): 1000 Genomes Project 30x 0.00843; 1000 Genomes Project 0.00859; TOPMed 0.01608; ESP Exome Variant Server 0.01891.

Submissions (7):

Labcorp Genetics (formerly Invitae), Labcorp
Classification: Benign for Aspartylglucosaminuria. Last evaluated: 2026-02-04. Review status: criteria provided, single submitter. Criteria: Invitae Variant Classification Sherloc (09022015). Collection method: clinical testing. Allele origin: germline.

Genomic Medicine Center of Excellence, King Faisal Specialist Hospital and Research Centre
Classification: Likely benign for Aspartylglucosaminuria. Last evaluated: 2025-07-30. Review status: criteria provided, single submitter. Criteria: ACMG Guidelines, 2015. Collection method: clinical testing. Allele origin: germline.

GeneDx
Classification: Benign. Last evaluated: 2018-11-27. Review status: criteria provided, single submitter. Criteria: GeneDx Variant Classification Process June 2021. Collection method: clinical testing. Allele origin: germline. Affected: yes.
Comment: This variant is associated with the following publications: (PMID: 11309371)

Illumina Laboratory Services, Illumina
Classification: Uncertain significance for Aspartylglucosaminuria. Last evaluated: 2017-04-27. Review status: criteria provided, single submitter. Criteria: ICSL Variant Classification Criteria 13 December 2019. Collection method: clinical testing. Allele origin: germline.
Comment: This variant was observed as part of a predisposition screen in an ostensibly healthy population. A literature search was performed for the gene, cDNA change, and amino acid change (where applicable). Publications were found based on this search. However, the evidence from the literature, in combination with allele frequency data from public databases where available, was not sufficient to rule this variant in or out of causing disease. Therefore, this variant is classified as a variant of unknown significance.

Natera, Inc.
Classification: Benign for Aspartylglucosaminuria. Last evaluated: 2019-12-02. Review status: no assertion criteria provided. Collection method: clinical testing. Allele origin: germline. Not counted in ClinVar's aggregate classification.

Mayo Clinic Laboratories, Mayo Clinic
Classification: Likely benign. Last evaluated: 2017-04-25. Review status: no assertion criteria provided. Collection method: clinical testing. Allele origin: unknown. Not counted in ClinVar's aggregate classification.

Counsyl
Classification: Likely benign for Aspartylglycosaminuria. Last evaluated: 2014-09-19. Review status: no assertion criteria provided. Collection method: literature only. Allele origin: unknown. Inheritance: Autosomal recessive inheritance. Not counted in ClinVar's aggregate classification.

Literature cited by the submitters: PubMed 11309371 (cited by Illumina Laboratory Services, Illumina and Counsyl).

NM_000027.4(AGA):c.34G>T (p.Val12Leu)

Gene: AGA (aspartylglucosaminidase; minus strand). Cytogenetic location: 4q34.3.
Variant type: single nucleotide variant.
Coding change: c.34G>T on transcript NM_000027.4 (MANE Select); coding-DNA position 34, G replaced by T.
Protein change: p.Val12Leu; replaces valine 12 with leucine.
Molecular consequence: missense variant. On other transcripts: non-coding transcript variant (1).
Genome position (GRCh38, 1-based): chr4:177,442,342, C>A on the plus strand (G>T on the coding strand, the complement: AGA is on the minus strand). VCF-style: chr4-177442342-C-A. GRCh37 (hg19) VCF-style: chr4-178363496-C-A.
Other names: c.34G>T, p.Val12Leu (NM_001171988.2); short protein forms V12L.
Identifiers: ClinVar variation 188964 (VCV000188964.26), dbSNP rs74626221, ClinGen allele CA199105.